The following is an entry in ClinVar:

NM_000548.5(TSC2):c.3776G>A (p.Ser1259Asn)

Gene: TSC2 (TSC complex subunit 2; plus strand). Cytogenetic location: 16p13.3.
Variant type: single nucleotide variant.
Coding change: c.3776G>A on transcript NM_000548.5 (MANE Select); coding-DNA position 3776, G replaced by A.
Protein change: p.Ser1259Asn; replaces serine 1259 with asparagine.
Molecular consequence: missense variant.
Genome position (GRCh38, 1-based): chr16:2,081,760, G>A. VCF-style: chr16-2081760-G-A. GRCh37 (hg19) VCF-style: chr16-2131761-G-A.
Other names: c.3644G>A, p.Ser1215Asn (NM_001077183.3, NM_001370404.1); c.3776G>A, p.Ser1259Asn (NM_001114382.3); c.3536G>A, p.Ser1179Asn (NM_001318827.2); c.3500G>A, p.Ser1167Asn (NM_001318829.2); c.3044G>A, p.Ser1015Asn (NM_001318831.2); c.3677G>A, p.Ser1226Asn (NM_001318832.2); c.3647G>A, p.Ser1216Asn (NM_001363528.2, NM_001370405.1, NM_021055.3); short protein forms S1167N, S1215N, S1226N, S1015N, S1179N, S1259N, S1216N.
Identifiers: ClinVar variation 650007 (VCV000650007.10), dbSNP rs1596400661, ClinGen allele CA394293355.

ClinVar aggregate classification (germline): Uncertain significance. Review status: criteria provided, multiple submitters, no conflicts (2 of 4 stars). 3 submissions from 3 submitters: Uncertain significance (3). Last evaluated 2025-11-21.

Conditions:
Tuberous sclerosis syndrome (TSC). Also called: Tuberous sclerosis; Tuberous Sclerosis Complex. Identifiers: Orphanet 805, MedGen C0041341, MONDO:0001734.
Tuberous sclerosis 2 (TSC2). Identifiers: Orphanet 805, MedGen C1860707, MONDO:0013199, OMIM 613254.
Hereditary cancer-predisposing syndrome. Also called: Hereditary Cancer Syndrome; Tumor predisposition; Neoplastic Syndromes, Hereditary; Hereditary neoplastic syndrome. Identifiers: Orphanet 140162, MedGen C0027672, MeSH D009386, MONDO:0015356.

Submissions (3):

Labcorp Genetics (formerly Invitae), Labcorp
Classification: Uncertain significance for Tuberous sclerosis 2. Last evaluated: 2025-11-21. Review status: criteria provided, single submitter. Criteria: Invitae Variant Classification Sherloc (09022015). Collection method: clinical testing. Allele origin: germline.
Comment: This sequence change replaces serine, which is neutral and polar, with asparagine, which is neutral and polar, at codon 1259 of the TSC2 protein (p.Ser1259Asn). This variant is not present in population databases (gnomAD no frequency). This variant has not been reported in the literature in individuals affected with TSC2-related conditions. ClinVar contains an entry for this variant (Variation ID: 650007). Invitae Evidence Modeling of protein sequence and biophysical properties (such as structural, functional, and spatial information, amino acid conservation, physicochemical variation, residue mobility, and thermodynamic stability) indicates that this missense variant is not expected to disrupt TSC2 protein function with a negative predictive value of 95%. In summary, the available evidence is currently insufficient to determine the role of this variant in disease. Therefore, it has been classified as a Variant of Uncertain Significance.

Ambry Genetics
Classification: Uncertain significance for Hereditary cancer-predisposing syndrome. Last evaluated: 2025-11-15. Review status: criteria provided, single submitter. Criteria: Ambry Variant Classification Scheme 2023. Collection method: clinical testing. Allele origin: germline.
Comment: The p.S1259N variant (also known as c.3776G>A), located in coding exon 30 of the TSC2 gene, results from a G to A substitution at nucleotide position 3776. The serine at codon 1259 is replaced by asparagine, an amino acid with highly similar properties. This amino acid position is conserved. In addition, the in silico prediction for this alteration is inconclusive. Based on the available evidence, the clinical significance of this variant remains unclear.

All of Us Research Program, National Institutes of Health
Classification: Uncertain significance for Tuberous sclerosis syndrome. Last evaluated: 2023-10-02. Review status: criteria provided, single submitter. Criteria: ACMG Guidelines, 2015. Collection method: clinical testing. Allele origin: germline. Inheritance: Autosomal dominant inheritance. Observed: 1 variant allele, 1 heterozygote.
Comment: This missense variant replaces serine with asparagine at codon 1259 of the TSC2 protein. Computational prediction suggests that this variant may not impact protein structure and function (internally defined REVEL score threshold <= 0.5, PMID: 27666373). To our knowledge, functional studies have not been reported for this variant. This variant has not been reported in individuals affected with TSC2-related disorders in the literature. This variant has not been identified in the general population by the Genome Aggregation Database (gnomAD). The available evidence is insufficient to determine the role of this variant in disease conclusively. Therefore, this variant is classified as a Variant of Uncertain Significance.

This study involves interpretation of variants in research participants for the purpose of population health screening. Participant phenotype was not available at the time of variant classification. Additional details can be found in publication PMID: 35346344, PMCID: PMC8962531